The following is an entry in ClinVar:

NM_021926.4(ALX4):c.-36G>C

Gene: ALX4 (ALX homeobox 4; minus strand). Cytogenetic location: 11p11.2.
Variant type: single nucleotide variant.
Coding change: c.-36G>C on transcript NM_021926.4 (MANE Select); 36 bases upstream of the start codon, G replaced by C.
Molecular consequence: 5 prime UTR variant.
Genome position (GRCh38, 1-based): chr11:44,310,098, C>G on the plus strand (G>C on the coding strand, the complement: ALX4 is on the minus strand). VCF-style: chr11-44310098-C-G. GRCh37 (hg19) VCF-style: chr11-44331648-C-G.
Identifiers: ClinVar variation 880307 (VCV000880307.4), dbSNP rs533107251, ClinGen allele CA5955843.

ClinVar aggregate classification (germline): Benign (1 of 4 stars; one submission).

Conditions:
Parietal foramina 2 (PFM2). Identifiers: Orphanet 60015, MedGen C1865044, MONDO:0012309, OMIM 609597.

Allele frequency attached by ClinVar (database versions not stated): gnomAD exomes 0.00010 and 0.00049; gnomAD 0.00012 and 0.00020; TOPMed 0.00019; ExAC 0.00076; 1000 Genomes Project 30x 0.00172; 1000 Genomes Project 0.00200.
gnomAD v4.1: 176 of 1,541,740 alleles (0.011%); highest among the groups gnomAD compares: East Asian, 0.39%; no homozygotes.

Submission:

Illumina Laboratory Services, Illumina
Classification: Benign for Parietal foramina 2. Last evaluated: 2018-01-13. Review status: criteria provided, single submitter. Criteria: ICSL Variant Classification Criteria 13 December 2019. Collection method: clinical testing. Allele origin: germline.
Comment: This variant was observed in the ICSL laboratory as part of a predisposition screen in an ostensibly healthy population. It had not been previously curated by ICSL or reported in the Human Gene Mutation Database (HGMD: prior to June 1st, 2018), and was therefore a candidate for classification through an automated scoring system. Utilizing variant allele frequency, disease prevalence and penetrance estimates, and inheritance mode, an automated score was calculated to assess if this variant is too frequent to cause the disease. Based on the score and internal cut-off values, a variant classified as benign is not then subjected to further curation. The score for this variant resulted in a classification of benign for this disease.